The following is an entry in ClinVar:

NM_004366.6(CLCN2):c.1139C>T (p.Pro380Leu)

Gene: CLCN2 (chloride voltage-gated channel 2; minus strand). Cytogenetic location: 3q27.1.
Variant type: single nucleotide variant.
Coding change: c.1139C>T on transcript NM_004366.6 (MANE Select); coding-DNA position 1139, C replaced by T.
Protein change: p.Pro380Leu; replaces proline 380 with leucine.
Molecular consequence: missense variant.
Genome position (GRCh38, 1-based): chr3:184,355,725, G>A on the plus strand (C>T on the coding strand, the complement: CLCN2 is on the minus strand). VCF-style: chr3-184355725-G-A. GRCh37 (hg19) VCF-style: chr3-184073513-G-A.
Other names: c.1139C>T, p.Pro380Leu (NM_001171087.3, NM_001171089.3); c.1007C>T, p.Pro336Leu (NM_001171088.3); short protein forms P336L, P380L.
Identifiers: ClinVar variation 2144969 (VCV002144969.4), dbSNP rs778766766, ClinGen allele CA2734223.

ClinVar aggregate classification (germline): Uncertain significance (1 of 4 stars; one submission).

Allele frequency attached by ClinVar (database versions not stated): ExAC 0.00001; gnomAD 0.00001; TOPMed 0.00001.
gnomAD v4.1: 3 of 1,614,092 alleles (0.00019%); highest among the groups gnomAD compares: Admixed American, 0.0033%; no homozygotes.

Submission:

Labcorp Genetics (formerly Invitae), Labcorp
Classification: Uncertain significance. Last evaluated: 2022-03-24. Review status: criteria provided, single submitter. Criteria: Invitae Variant Classification Sherloc (09022015). Collection method: clinical testing. Allele origin: germline.
Comment: In summary, the available evidence is currently insufficient to determine the role of this variant in disease. Therefore, it has been classified as a Variant of Uncertain Significance. Advanced modeling of protein sequence and biophysical properties (such as structural, functional, and spatial information, amino acid conservation, physicochemical variation, residue mobility, and thermodynamic stability) performed at Invitae indicates that this missense variant is expected to disrupt CLCN2 protein function. This variant has not been reported in the literature in individuals affected with CLCN2-related conditions. This variant is present in population databases (rs778766766, gnomAD 0.009%). This sequence change replaces proline, which is neutral and non-polar, with leucine, which is neutral and non-polar, at codon 380 of the CLCN2 protein (p.Pro380Leu).